The following is an entry in ClinVar:

ClinVar aggregate classification (germline): Uncertain significance (1 of 4 stars; one submission).

Conditions:
Inborn genetic diseases. Identifiers: MedGen C0950123, MeSH D030342.

Submission:

Ambry Genetics
Classification: Uncertain significance for Inborn genetic diseases. Last evaluated: 2024-12-21. Review status: criteria provided, single submitter. Criteria: Ambry Variant Classification Scheme 2023. Collection method: clinical testing. Allele origin: germline.
Comment: The p.V706I variant (also known as c.2116G>A), located in coding exon 1 of the SAMD9 gene, results from a G to A substitution at nucleotide position 2116. The valine at codon 706 is replaced by isoleucine, an amino acid with highly similar properties. This amino acid position is conserved. In addition, this alteration is predicted to be tolerated by in silico analysis. Based on the available evidence, the clinical significance of this variant remains unclear.

NM_017654.4(SAMD9):c.2116G>A (p.Val706Ile)

Gene: SAMD9 (sterile alpha motif domain containing 9; minus strand). Cytogenetic location: 7q21.2.
Variant type: single nucleotide variant.
Coding change: c.2116G>A on transcript NM_017654.4 (MANE Select); coding-DNA position 2116, G replaced by A.
Protein change: p.Val706Ile; replaces valine 706 with isoleucine.
Molecular consequence: missense variant.
Genome position (GRCh38, 1-based): chr7:93,103,982, C>T on the plus strand (G>A on the coding strand, the complement: SAMD9 is on the minus strand). VCF-style: chr7-93103982-C-T. GRCh37 (hg19) VCF-style: chr7-92733295-C-T.
Other names: c.2116G>A, p.Val706Ile (NM_001193307.2); short protein forms V706I.
Identifiers: ClinVar variation 3791943 (VCV003791943.1).